The following is an entry in ClinVar:

NM_001130144.3(LTBP3):c.2771A>G (p.Asp924Gly)

Gene: LTBP3 (latent transforming growth factor beta binding protein 3; minus strand). Cytogenetic location: 11q13.1.
Variant type: single nucleotide variant.
Coding change: c.2771A>G on transcript NM_001130144.3 (MANE Select); coding-DNA position 2771, A replaced by G.
Protein change: p.Asp924Gly; replaces aspartic acid 924 with glycine.
Molecular consequence: missense variant.
Genome position (GRCh38, 1-based): chr11:65,541,248, T>C on the plus strand (A>G on the coding strand, the complement: LTBP3 is on the minus strand). VCF-style: chr11-65541248-T-C. GRCh37 (hg19) VCF-style: chr11-65308719-T-C.
Other names: c.2420A>G, p.Asp807Gly (NM_001164266.1); c.2771A>G, p.Asp924Gly (NM_021070.4); short protein forms D924G, D807G.
Identifiers: ClinVar variation 3121448 (VCV003121448.3), dbSNP rs773471194, ClinGen allele CA6100480.

ClinVar aggregate classification (germline): Uncertain significance. Review status: criteria provided, multiple submitters, no conflicts (2 of 4 stars). 2 submissions from 2 submitters: Uncertain significance (2). Last evaluated 2025-05-11.

Conditions:
Inborn genetic diseases. Identifiers: MedGen C0950123, MeSH D030342.
Brachyolmia-amelogenesis imperfecta syndrome. Also called: Tooth agenesis, selective, 6; Dental anomalies and short stature; PLATYSPONDYLY WITH AMELOGENESIS IMPERFECTA. Identifiers: Orphanet 2899, MedGen C1832594, MONDO:0011018, OMIM 601216. Disease mechanism: loss of function.

Allele frequency attached by ClinVar (database versions not stated): gnomAD 0.00001; gnomAD exomes 0.00002; TOPMed below 0.00001; ExAC 0.00001.
gnomAD v4.1: 26 of 1,613,468 alleles (0.0016%); highest among the groups gnomAD compares: Non-Finnish European, 0.0022%; no homozygotes.

Submissions (2):

Labcorp Genetics (formerly Invitae), Labcorp
Classification: Uncertain significance for Brachyolmia-amelogenesis imperfecta syndrome. Last evaluated: 2025-05-11. Review status: criteria provided, single submitter. Criteria: Invitae Variant Classification Sherloc (09022015). Collection method: clinical testing. Allele origin: germline.
Comment: This sequence change replaces aspartic acid, which is acidic and polar, with glycine, which is neutral and non-polar, at codon 924 of the LTBP3 protein (p.Asp924Gly). This variant is present in population databases (rs773471194, gnomAD 0.002%). This variant has not been reported in the literature in individuals affected with LTBP3-related conditions. ClinVar contains an entry for this variant (Variation ID: 3121448). An algorithm developed to predict the effect of missense changes on protein structure and function (PolyPhen-2) suggests that this variant is likely to be disruptive. In summary, the available evidence is currently insufficient to determine the role of this variant in disease. Therefore, it has been classified as a Variant of Uncertain Significance.

Ambry Genetics
Classification: Uncertain significance for Inborn genetic diseases. Last evaluated: 2023-12-15. Review status: criteria provided, single submitter. Criteria: Ambry Variant Classification Scheme 2023. Collection method: clinical testing. Allele origin: germline.